The following is an entry in ClinVar:

NM_005522.5(HOXA1):c.435C>T (p.His145=)

Gene: HOXA1 (homeobox A1; minus strand). Cytogenetic location: 7p15.2.
Variant type: single nucleotide variant.
Coding change: c.435C>T on transcript NM_005522.5 (MANE Select); coding-DNA position 435, C replaced by T.
Protein change: p.His145=; no amino-acid change (histidine 145 retained).
Molecular consequence: synonymous variant. On other transcripts: intron variant (1).
Genome position (GRCh38, 1-based): chr7:27,095,478, G>A on the plus strand (C>T on the coding strand, the complement: HOXA1 is on the minus strand). VCF-style: chr7-27095478-G-A. GRCh37 (hg19) VCF-style: chr7-27135097-G-A.
Other names: c.354+81C>T (NM_153620.3).
Identifiers: ClinVar variation 359963 (VCV000359963.7), dbSNP rs200448150, ClinGen allele CA4195942.
Genomic context (GRCh38, chr7:27,095,478, plus strand): 5'-TCCATATGAGTGGTGAATGTATTGAGGCGAGCCCACCGCGCCCCCAGCATAACCCTGGTG[G>A]TGGTGGTGATGCTGGACCATGGGAGATGAGAGATTTCCAGAGTAAACAGCGGGAGCGCAC-3'
Protein context (NP_005513.2, residues 135-155): LSSPMVQHHH[His145=]HQGYAGGAVG

ClinVar aggregate classification (germline): Likely benign (0 of 4 stars; one submission).

Conditions:
HOXA1-related syndrome. Also called: HOXA1-related disorder; HOXA1-Related Disorders; HOXA1-related condition; Human HOXA1 syndromes. Identifiers: MedGen CN381531, MONDO:0011099.

Allele frequency attached by ClinVar (database versions not stated): gnomAD exomes 0.00011 and 0.00032; 1000 Genomes Project 30x 0.00016; gnomAD 0.00016 and 0.00017; ExAC 0.00035; 1000 Genomes Project 0.00020; TOPMed 0.00020.

Submission:

PreventionGenetics, part of Exact Sciences
Classification: Likely benign for HOXA1-related condition. Last evaluated: 2019-05-30. Review status: no assertion criteria provided. Collection method: clinical testing. Allele origin: germline.
Comment: This variant is classified as likely benign based on ACMG/AMP sequence variant interpretation guidelines (Richards et al. 2015 PMID: 25741868, with internal and published modifications).